The following is an entry in ClinVar:

NM_000277.3(PAH):c.814G>T (p.Gly272Ter)

Gene: PAH (phenylalanine hydroxylase; minus strand). Cytogenetic location: 12q23.2.
Variant type: single nucleotide variant.
Coding change: c.814G>T on transcript NM_000277.3 (MANE Select); coding-DNA position 814, G replaced by T.
Protein change: p.Gly272Ter; replaces glycine 272 with a stop codon.
Molecular consequence: nonsense.
Genome position (GRCh38, 1-based): chr12:102,852,843, C>A on the plus strand (G>T on the coding strand, the complement: PAH is on the minus strand). VCF-style: chr12-102852843-C-A. GRCh37 (hg19) VCF-style: chr12-103246621-C-A.
Other names: p.G272*:GGA>TGA; NM_000277.1(PAH):c.814G>T; p.Gly272*; c.814G>T, p.Gly272Ter (NM_001354304.2); short protein forms G272*.
Identifiers: ClinVar variation 596 (VCV000000596.121), dbSNP rs62514952, ClinGen allele CA251532.

ClinVar aggregate classification (germline): Pathogenic. Review status: reviewed by expert panel (3 of 4 stars). 21 submissions from 21 submitters: Pathogenic (1). 20 of the submissions do not count toward it. Last evaluated 2018-08-10.

Conditions:
PAH-related disorder. Also called: PAH-related condition.
Phenylketonuria (PKU). Also called: FOLLING DISEASE; Phenylketonuria (PKU); OLIGOPHRENIA PHENYLPYRUVICA; Phenylketonurias. Identifiers: Orphanet 716, MedGen C0031485, MONDO:0009861, OMIM 261600. Disease mechanism: loss of function.

Allele frequency attached by ClinVar (database versions not stated): TOPMed 0.00002; ExAC 0.00003; gnomAD exomes 0.00004 and 0.00005; gnomAD 0.00006.
gnomAD v4.1: 85 of 1,613,926 alleles (0.0053%); highest among the groups gnomAD compares: Non-Finnish European, 0.0071%; no homozygotes.

Submissions 1 to 14 of 21:

ClinGen PAH Variant Curation Expert Panel
Classification: Pathogenic for Phenylketonuria. Last evaluated: 2018-08-10. Review status: reviewed by expert panel. Criteria: ClinGen PAH ACMG Specifications v1. Collection method: curation. Allele origin: germline. Inheritance: Autosomal recessive inheritance.
Comment: PAH-specific ACMG/AMP criteria applied: PM2: Absent from 1000G, ESP. Extrememly low frequency in ExAC, gnomAD (MAF= 0.00006, 0.0003093); PVS1: Nonsense variant. Predicted to cause loss of normal protein function either through protein truncation or nonsense-mediated mRNA decay.; PP4: G272X found on one allele of a patient with classic PKU (PMID:1975559). In summary this variant meets criteria to be classified as pathogenic for phenylketonuria in an autosomal recessive manner based on the ACMG/AMP criteria applied as specified by the PAH Expert Panel: (PM2, PVS1, PP4).

CeGaT Center for Human Genetics Tuebingen
Classification: Pathogenic. Last evaluated: 2026-09-01. Review status: criteria provided, single submitter. Criteria: CeGaT Center For Human Genetics Tuebingen Variant Classification Criteria Version 2. Collection method: clinical testing. Allele origin: germline. Affected: yes. Observed: 1 variant allele. Not counted in ClinVar's aggregate classification.
Comment: PAH: PM3:Very Strong, PVS1, PM2, PP4:Moderate

Labcorp Genetics (formerly Invitae), Labcorp
Classification: Pathogenic for Phenylketonuria. Last evaluated: 2026-01-11. Review status: criteria provided, single submitter. Criteria: Invitae Variant Classification Sherloc (09022015). Collection method: clinical testing. Allele origin: germline. Not counted in ClinVar's aggregate classification.
Comment: This sequence change creates a premature translational stop signal (p.Gly272*) in the PAH gene. It is expected to result in an absent or disrupted protein product. Loss-of-function variants in PAH are known to be pathogenic (PMID: 1301187, 9634518). This variant is present in population databases (rs62514952, gnomAD 0.009%). This premature translational stop signal has been observed in individual(s) with PKU (PMID: 1975559, 10471838). ClinVar contains an entry for this variant (Variation ID: 596). Algorithms developed to predict the effect of sequence changes on RNA splicing suggest that this variant may disrupt the consensus splice site. For these reasons, this variant has been classified as Pathogenic.

Mayo Clinic Laboratories, Mayo Clinic
Classification: Pathogenic. Last evaluated: 2025-12-02. Review status: criteria provided, single submitter. Criteria: ACMG Guidelines, 2015. Collection method: clinical testing. Allele origin: germline. Observed: 6 variant alleles. Not counted in ClinVar's aggregate classification.
Comment: PP4, PM2_moderate, PM3, PVS1

Natera, Inc.
Classification: Pathogenic for Phenylketonuria. Last evaluated: 2025-07-30. Review status: criteria provided, single submitter. Criteria: Natera Variant Classification Schema (03/2026). Collection method: clinical testing. Allele origin: germline. Not counted in ClinVar's aggregate classification.
Comment: The c.814G>T variant in PAH is a nonsense variant predicted to introduce a stop codon at amino acid 272. This variant is expected to result in nonsense mediated decay, truncation, or a dysfunctional protein product. This variant is rare in the general population with a frequency below the threshold expected for the associated phenotype(s). This variant has been observed in one or more individuals affected with the associated recessive disease, as either homozygous or compound heterozygous with a second variant (PMID: 10471838, 23357515). Given the available evidence, this variant is classified as Pathogenic.

Variantyx, Inc.
Classification: Pathogenic for Phenylketonuria. Last evaluated: 2025-03-28. Review status: criteria provided, single submitter. Criteria: Variantyx Assertion Criteria 2022. Collection method: clinical testing. Allele origin: paternal. Inheritance: Autosomal recessive inheritance. Not counted in ClinVar's aggregate classification.
Comment: This is a nonsense variant in the PAH gene. Pathogenic variants in this gene are associated with autosomal recessive phenylketonuria. This alteration creates a premature stop codon in exon 7 of 13 and is expected to result in a loss of function, which is a known mechanism of disease for PAH in this disorder (PMID:9634518, 1301187). Moreover, loss of function was confirmed by a functional study (PMID: 27121329) (PVS1). This variant has an extremely low frequency in non-founder populations (PM2), while it was reported in individuals suffering from phenylketonuria (PMID: 8370573, 1975559, 1978553, 17935162, 10471838, 12655550). Based on this evidence, this variant has been classified as pathogenic for autosomal recessive phenylketonuria.

Blueprint Genetics
Classification: Pathogenic for PAH-related disorders. Last evaluated: 2024-10-22. Review status: criteria provided, single submitter. Criteria: ACMG Guidelines, 2015. Collection method: clinical testing. Allele origin: germline. Affected: yes. Observed: 3 variant alleles. Not counted in ClinVar's aggregate classification.

Laboratory of Medical Genetics, National & Kapodistrian University of Athens
Classification: Pathogenic for Phenylketonuria. Last evaluated: 2024-02-01. Review status: criteria provided, single submitter. Criteria: ACMG Guidelines, 2015. Collection method: curation. Allele origin: germline. Affected: no. Not counted in ClinVar's aggregate classification.

GeneDx
Classification: Pathogenic. Last evaluated: 2021-09-02. Review status: criteria provided, single submitter. Criteria: GeneDx Variant Classification Process June 2021. Collection method: clinical testing. Allele origin: germline. Affected: yes. Not counted in ClinVar's aggregate classification.
Comment: Reported in multiple patients with classic PKU, and one patient with mild PKU, in the presence of a second variant; also reported in a patient with classic PKU in the homozygous state (Svensson et al., 1990; Jeannesson-Thivisol et al., 2015; Williams et al., 2015); Associated with approximately 6%-7% residual activity compared to wild-type (Ho et al., 2013); Not observed at significant frequency in large population cohorts (gnomAD); Nonsense variant predicted to result in protein truncation in a gene for which loss-of-function is a known mechanism of disease; Classified as not responsive to BH4 therapy (Zurfluh et al. 2008); This variant is associated with the following publications: (PMID: 8444221, 10471838, 17935162, 22975760, 25525159, 23532445, 1975559, 25551302, 8889583, 29555771, 29431110, 31980526, 32668217, 33101986, 8188310, 32853555, 31589614, 26666653, 33375644, 27535533)

Revvity Omics, Revvity
Classification: Pathogenic for Phenylketonuria. Last evaluated: 2021-01-28. Review status: criteria provided, single submitter. Criteria: ACMG Guidelines, 2015. Collection method: clinical testing. Allele origin: germline. Not counted in ClinVar's aggregate classification.

Greenwood Genetic Center Diagnostic Laboratories, Greenwood Genetic Center
Classification: Pathogenic. Last evaluated: 2020-10-05. Review status: criteria provided, single submitter. Criteria: ACMG Guidelines, 2015. Collection method: clinical testing. Allele origin: germline. Affected: yes. Not counted in ClinVar's aggregate classification.

Myriad Genetics, Inc.
Classification: Pathogenic for Phenylketonuria. Last evaluated: 2019-12-09. Review status: criteria provided, single submitter. Criteria: Myriad Women's Health Autosomal Recessive and X-Linked Classification Criteria (2019). Collection method: clinical testing. Allele origin: unknown. Not counted in ClinVar's aggregate classification.
Comment: NM_000277.1(PAH):c.814G>T(G272*) is classified as pathogenic in the context of phenylalanine hydroxylase deficiency and is associated with the classic form of disease. Sources cited for classification include the following: PMID 1671881, 24350308, 1978553, 10471838, 1975559 and 12655550. Classification of NM_000277.1(PAH):c.814G>T(G272*) is based on the following criteria: The variant causes a premature termination codon that is expected to be targeted by nonsense-mediated mRNA decay and is reported in individuals with the relevant phenotype. Please note: this variant was assessed in the context of healthy population screening.

Women's Health and Genetics/Laboratory Corporation of America, LabCorp
Classification: Pathogenic for Phenylketonuria. Last evaluated: 2018-08-31. Review status: criteria provided, single submitter. Criteria: LabCorp Variant Classification Summary - May 2015. Collection method: clinical testing. Allele origin: germline. Not counted in ClinVar's aggregate classification.
Comment: Variant summary: PAH c.814G>T (p.Gly272X) results in a premature termination codon, predicted to cause a truncation of the encoded protein or absence of the protein due to nonsense mediated decay, which are commonly known mechanisms for disease. The variant allele was found at a frequency of 5.1e-05 in 277088 control chromosomes (gnomAD). This frequency is not higher than expected for a pathogenic variant in PAH causing Phenylalanine Hydroxylase Deficiency (Phenylketonuria) (5.1e-05 vs 0.0079), allowing no conclusion about variant significance. c.814G>T has been reported in the literature in multiple individuals affected with Phenylalanine Hydroxylase Deficiency (Phenylketonuria)(Jeannesson-Thivisol_2015, Aldamiz-Echevarria_2016). These data indicate that the variant is very likely to be associated with disease. The variant was found to cause a loss of enzyme activity via functional studies (Aldamiz-Echevarria_2016). Three ClinVar submissions from other clinical diagnostic laboratories (evaluation after 2014) cite the variant as "pathogenic." Based on the evidence outlined above, the variant was classified as pathogenic.

Quest Diagnostics Nichols Institute San Juan Capistrano
Classification: Pathogenic. Last evaluated: 2018-05-15. Review status: criteria provided, single submitter. Criteria: Quest Diagnostics criteria. Collection method: clinical testing. Allele origin: germline. Not counted in ClinVar's aggregate classification.